The following is an entry in ClinVar:

NM_001369.3(DNAH5):c.3774del (p.Ala1259fs)

Genes: DNAH5 (dynein axonemal heavy chain 5; minus strand), DNAH5-AS1 (DNAH5 antisense RNA 1; plus strand). Cytogenetic location: 5p15.2.
Variant type: Deletion.
Coding change: c.3774del on transcript NM_001369.3 (MANE Select); coding-DNA position 3774, one base deleted (A; older notation c.3774delA).
Protein change: p.Ala1259fs; shifts the reading frame from alanine 1259.
Molecular consequence: frameshift variant.
Genome position (GRCh38, 1-based): chr5:13,870,827, T deleted on the plus strand (A on the coding strand, the reverse complement: DNAH5 is on the minus strand). VCF-style (leftmost placement, unchanged base first): chr5-13870826-CT-C. GRCh37 (hg19) VCF-style: chr5-13870935-CT-C.
Other names: short protein forms A1259fs.
Identifiers: ClinVar variation 2690592 (VCV002690592.3), dbSNP rs2546995755, ClinGen allele CA2697547069.

ClinVar aggregate classification (germline): Pathogenic/Likely pathogenic. Review status: criteria provided, multiple submitters, no conflicts (2 of 4 stars). 2 submissions from 2 submitters: Pathogenic (1); Likely pathogenic (1). Last evaluated 2023-10-24.

Conditions:
Primary ciliary dyskinesia 3. Identifiers: Orphanet 244, MedGen C1837618, MONDO:0012085, OMIM 608644.

Submissions (2):

Myriad Genetics, Inc.
Classification: Pathogenic for Primary ciliary dyskinesia 3. Last evaluated: 2023-10-24. Review status: criteria provided, single submitter. Criteria: Myriad Autosomal Dominant, Autosomal Recessive and X-Linked Classification Criteria (2023). Collection method: clinical testing. Allele origin: unknown.
Comment: NM_001369.2(DNAH5):c.3774delA(A1259Rfs*2) is expected to be pathogenic in the context of primary ciliary dyskinesia, DNAH5-related. This variant is predicted to lead to an abnormal or absent protein product due to the creation of a premature termination codon in DNAH5, a gene where loss-of-function variants are known to be pathogenic. Please note: this variant was assessed in the context of healthy population screening.

Revvity Omics, Revvity
Classification: Likely pathogenic for Primary ciliary dyskinesia 3. Last evaluated: 2023-02-10. Review status: criteria provided, single submitter. Criteria: ACMG Guidelines, 2015. Collection method: clinical testing. Allele origin: germline.